The following is an entry in ClinVar:

NM_000844.4(GRM7):c.26G>A (p.Arg9His)

Gene: GRM7 (glutamate metabotropic receptor 7; plus strand). Cytogenetic location: 3p26.1.
Variant type: single nucleotide variant.
Coding change: c.26G>A on transcript NM_000844.4 (MANE Select); coding-DNA position 26, G replaced by A.
Protein change: p.Arg9His; replaces arginine 9 with histidine.
Molecular consequence: missense variant.
Genome position (GRCh38, 1-based): chr3:6,861,414, G>A. VCF-style: chr3-6861414-G-A. GRCh37 (hg19) VCF-style: chr3-6903101-G-A.
Other names: c.26G>A, p.Arg9His (NM_181874.3); short protein forms R9H.
Identifiers: ClinVar variation 2028389 (VCV002028389.5), dbSNP rs1255548681, ClinGen allele CA351796083.

ClinVar aggregate classification (germline): Uncertain significance. Review status: criteria provided, multiple submitters, no conflicts (2 of 4 stars). 2 submissions from 2 submitters: Uncertain significance (2). Last evaluated 2024-10-08.

Conditions:
Inborn genetic diseases. Identifiers: MedGen C0950123, MeSH D030342.

Allele frequency attached by ClinVar (database versions not stated): gnomAD exomes below 0.00001.
gnomAD v4.1: 5 of 1,594,310 alleles (0.00031%); highest among the groups gnomAD compares: Non-Finnish European, 0.00034%; no homozygotes.

Submissions (2):

Labcorp Genetics (formerly Invitae), Labcorp
Classification: Uncertain significance. Last evaluated: 2024-10-08. Review status: criteria provided, single submitter. Criteria: Invitae Variant Classification Sherloc (09022015). Collection method: clinical testing. Allele origin: germline.
Comment: This sequence change replaces arginine, which is basic and polar, with histidine, which is basic and polar, at codon 9 of the GRM7 protein (p.Arg9His). This variant is present in population databases (no rsID available, gnomAD 0.007%). This variant has not been reported in the literature in individuals affected with GRM7-related conditions. ClinVar contains an entry for this variant (Variation ID: 2028389). An algorithm developed to predict the effect of missense changes on protein structure and function outputs the following: PolyPhen-2: "Benign". The histidine amino acid residue is found in multiple mammalian species, which suggests that this missense change does not adversely affect protein function. In summary, the available evidence is currently insufficient to determine the role of this variant in disease. Therefore, it has been classified as a Variant of Uncertain Significance.

Ambry Genetics
Classification: Uncertain significance for Inborn genetic diseases. Last evaluated: 2022-04-06. Review status: criteria provided, single submitter. Criteria: Ambry Variant Classification Scheme 2023. Collection method: clinical testing. Allele origin: germline.